The following is an entry in ClinVar:

ClinVar aggregate classification (germline): Conflicting classifications of pathogenicity. Review status: criteria provided, conflicting classifications (1 of 4 stars). 3 submissions from 2 submitters: Uncertain significance (2); Likely benign (1). Last evaluated 2024-02-25.

Conditions:
Transitory neonatal diabetes mellitus. Also called: Transient neonatal diabetes mellitus. Identifiers: MedGen C0342273, MONDO:0020525, HP:0008255.
Maturity-onset diabetes of the young (MODY). Also called: Maturity onset diabetes mellitus in young. Identifiers: Orphanet 552, MedGen C0342276, MONDO:0018911, HP:0004904.

Submissions (3):

Labcorp Genetics (formerly Invitae), Labcorp
Classification: Likely benign. Last evaluated: 2024-02-25. Review status: criteria provided, single submitter. Criteria: Invitae Variant Classification Sherloc (09022015). Collection method: clinical testing. Allele origin: germline.

Clinical Genomics, Uppaluri K&H Personalized Medicine Clinic
Classification: Uncertain significance for Transitory neonatal diabetes mellitus. Review status: criteria provided, single submitter. Criteria: K & H Uppaluri Personalized Medicine Clinic Variant Classification & Assertion Criteria_Updated V.1. Collection method: research. Allele origin: unknown. Inheritance: Somatic mutation.
Comment: Mutations in ABCC8 gene are associated with both neonatal diabetes mellitus as well as MODY. Patients with this mutation may have a better response to sulfonylureas. However, no sufficient evidence is found to ascertain the role of this particular variant ( rs1564898910) in neonatal diabetes yet.

Clinical Genomics, Uppaluri K&H Personalized Medicine Clinic
Classification: Uncertain significance for Maturity-onset diabetes of the young. Review status: criteria provided, single submitter. Criteria: K & H Uppaluri Personalized Medicine Clinic Variant Classification & Assertion Criteria_Updated V.1. Collection method: research. Allele origin: unknown. Inheritance: Somatic mutation.
Comment: Mutations in ABCC8 gene are associated with both neonatal diabetes mellitus as well as MODY. Patients with this mutation may have a better response to sulfonylureas. However, no sufficient evidence is found to ascertain the role of this particular variant ( rs1564898910) in MODY yet.

Literature cited by the submitters: PubMed 16885549 (cited by Clinical Genomics, Uppaluri K&H Personalized Medicine Clinic); PubMed 21989597 (cited by Clinical Genomics, Uppaluri K&H Personalized Medicine Clinic); PubMed 27538677 (cited by Clinical Genomics, Uppaluri K&H Personalized Medicine Clinic); PubMed 18981553 (cited by Clinical Genomics, Uppaluri K&H Personalized Medicine Clinic); PubMed 32027066 (cited by Clinical Genomics, Uppaluri K&H Personalized Medicine Clinic); PubMed 16613899 (cited by Clinical Genomics, Uppaluri K&H Personalized Medicine Clinic); PubMed 18025408 (cited by Clinical Genomics, Uppaluri K&H Personalized Medicine Clinic); PubMed 32792356 (cited by Clinical Genomics, Uppaluri K&H Personalized Medicine Clinic).

NM_000352.6(ABCC8):c.2694+9del

Gene: ABCC8 (ATP binding cassette subfamily C member 8; minus strand). Cytogenetic location: 11p15.1.
Variant type: Deletion.
Coding change: c.2694+9del on transcript NM_000352.6 (MANE Select); 9 bases into the intron after coding-DNA position 2694, one base deleted (G; older notation c.2694+9delG).
Molecular consequence: intron variant.
Genome position (GRCh38, 1-based): chr11:17,410,507, C deleted on the plus strand (G on the coding strand, the reverse complement: ABCC8 is on the minus strand); the first of 5 consecutive C bases (chr11:17,410,507-17,410,511); deleting any one gives the same sequence. VCF-style (leftmost placement, unchanged base first): chr11-17410506-TC-T. GRCh37 (hg19) VCF-style: chr11-17432053-TC-T.
Other names: c.2691+9del (NM_001351297.2); c.2694+9del (NM_001351296.2); c.2760+9del (NM_001351295.2); c.2697+9del (NM_001287174.3).
Identifiers: ClinVar variation 796041 (VCV000796041.9), dbSNP rs1564898910, ClinGen allele CA915947971.